The following is an entry in ClinVar:

ClinVar aggregate classification (germline): Uncertain significance (1 of 4 stars; one submission).

Submission:

GeneDx
Classification: Uncertain significance. Last evaluated: 2022-02-10. Review status: criteria provided, single submitter. Criteria: GeneDx Variant Classification Process June 2021. Collection method: clinical testing. Allele origin: germline. Affected: yes.
Comment: Not observed at significant frequency in large population cohorts (gnomAD); In silico analysis supports that this missense variant has a deleterious effect on protein structure/function; Has not been previously published as pathogenic or benign to our knowledge

NM_001142730.3(KCTD1):c.2261G>C (p.Arg754Pro)

Gene: KCTD1 (potassium channel tetramerization domain containing 1; minus strand). Cytogenetic location: 18q11.2.
Variant type: single nucleotide variant.
Coding change: c.2261G>C on transcript NM_001142730.3 (MANE Select); coding-DNA position 2261, G replaced by C.
Protein change: p.Arg754Pro; replaces arginine 754 with proline.
Molecular consequence: missense variant.
Genome position (GRCh38, 1-based): chr18:26,459,798, C>G on the plus strand (G>C on the coding strand, the complement: KCTD1 is on the minus strand). VCF-style: chr18-26459798-C-G. GRCh37 (hg19) VCF-style: chr18-24039762-C-G.
Other names: c.437G>C, p.Arg146Pro (NM_001136205.2, NM_001258221.2, NM_001351443.1 and 1 more transcripts); c.461G>C, p.Arg154Pro (NM_001258222.3); short protein forms R146P, R154P, R754P.
Identifiers: ClinVar variation 1702577 (VCV001702577.2), dbSNP rs201028403, ClinGen allele CA402241416.